The following is an entry in ClinVar:

ClinVar aggregate classification (germline): Uncertain significance (1 of 4 stars; one submission).

Conditions:
Hereditary cancer-predisposing syndrome. Also called: Neoplastic Syndromes, Hereditary; Tumor predisposition; Hereditary neoplastic syndrome; Hereditary Cancer Syndrome. Identifiers: Orphanet 140162, MedGen C0027672, MeSH D009386, MONDO:0015356.

Submission:

Ambry Genetics
Classification: Uncertain significance for Hereditary cancer-predisposing syndrome. Last evaluated: 2023-10-12. Review status: criteria provided, single submitter. Criteria: Ambry Variant Classification Scheme 2023. Collection method: clinical testing. Allele origin: germline.
Comment: The p.L341V variant (also known as c.1021C>G), located in coding exon 4 of the BARD1 gene, results from a C to G substitution at nucleotide position 1021. The leucine at codon 341 is replaced by valine, an amino acid with highly similar properties. This amino acid position is conserved. In addition, this alteration is predicted to be tolerated by in silico analysis. Since supporting evidence is limited at this time, the clinical significance of this alteration remains unclear.

NM_000465.4(BARD1):c.1021C>G (p.Leu341Val)

Gene: BARD1 (BRCA1 associated RING domain 1; minus strand). Cytogenetic location: 2q35.
Variant type: single nucleotide variant.
Coding change: c.1021C>G on transcript NM_000465.4 (MANE Select); coding-DNA position 1021, C replaced by G.
Protein change: p.Leu341Val; replaces leucine 341 with valine.
Molecular consequence: missense variant. On other transcripts: non-coding transcript variant (2), intron variant (3).
Genome position (GRCh38, 1-based): chr2:214,780,853, G>C on the plus strand (C>G on the coding strand, the complement: BARD1 is on the minus strand). VCF-style: chr2-214780853-G-C. GRCh37 (hg19) VCF-style: chr2-215645577-G-C.
Other names: c.159-28298C>G (NM_001282548.2); c.215+16208C>G (NM_001282545.2); c.364+11444C>G (NM_001282549.2); c.964C>G, p.Leu322Val (NM_001282543.2); short protein forms L322V, L341V.
Identifiers: ClinVar variation 3231755 (VCV003231755.1), dbSNP rs2469505005, ClinGen allele CA350454319.